The following is an entry in ClinVar:

NM_001287.6(CLCN7):c.1884G>A (p.Arg628=)

Gene: CLCN7 (chloride voltage-gated channel 7; minus strand). Cytogenetic location: 16p13.3.
Variant type: single nucleotide variant.
Coding change: c.1884G>A on transcript NM_001287.6 (MANE Select); coding-DNA position 1884, G replaced by A.
Protein change: p.Arg628=; no amino-acid change (arginine 628 retained).
Molecular consequence: synonymous variant.
Genome position (GRCh38, 1-based): chr16:1,448,484, C>T on the plus strand (G>A on the coding strand, the complement: CLCN7 is on the minus strand). VCF-style: chr16-1448484-C-T. GRCh37 (hg19) VCF-style: chr16-1498485-C-T.
Other names: c.1812G>A, p.Arg604= (NM_001114331.3).
Identifiers: ClinVar variation 1906524 (VCV001906524.5), dbSNP rs762052349, ClinGen allele CA7809995.

ClinVar aggregate classification (germline): Uncertain significance (1 of 4 stars; one submission).

Allele frequency attached by ClinVar (database versions not stated): TOPMed below 0.00001; ExAC 0.00001; gnomAD exomes 0.00001.
gnomAD v4.1: 5 of 1,609,288 alleles (0.00031%); highest among the groups gnomAD compares: Admixed American, 0.0067%; no homozygotes.

Submission:

Labcorp Genetics (formerly Invitae), Labcorp
Classification: Uncertain significance. Last evaluated: 2025-07-09. Review status: criteria provided, single submitter. Criteria: Invitae Variant Classification Sherloc (09022015). Collection method: clinical testing. Allele origin: germline.
Comment: This sequence change affects codon 628 of the CLCN7 mRNA. It is a 'silent' change, meaning that it does not change the encoded amino acid sequence of the CLCN7 protein. It affects a nucleotide within the consensus splice site. This variant is present in population databases (rs762052349, gnomAD 0.01%). This variant has not been reported in the literature in individuals affected with CLCN7-related conditions. ClinVar contains an entry for this variant (Variation ID: 1906524). Algorithms developed to predict the effect of sequence changes on RNA splicing suggest that this variant may disrupt the consensus splice site. In summary, the available evidence is currently insufficient to determine the role of this variant in disease. Therefore, it has been classified as a Variant of Uncertain Significance.